The following is an entry in ClinVar:

NM_015164.4(PLEKHM2):c.2591G>A (p.Trp864Ter)

Gene: PLEKHM2 (pleckstrin homology and RUN domain containing M2; plus strand). Cytogenetic location: 1p36.21.
Variant type: single nucleotide variant.
Coding change: c.2591G>A on transcript NM_015164.4 (MANE Select); coding-DNA position 2591, G replaced by A.
Protein change: p.Trp864Ter; replaces tryptophan 864 with a stop codon.
Molecular consequence: nonsense.
Genome position (GRCh38, 1-based): chr1:15,732,014, G>A. VCF-style: chr1-15732014-G-A. GRCh37 (hg19) VCF-style: chr1-16058509-G-A.
Other names: c.2531G>A, p.Trp844Ter (NM_001410755.1); short protein forms W864*, W844*.
Identifiers: ClinVar variation 3658536 (VCV003658536.2).

ClinVar aggregate classification (germline): Uncertain significance (1 of 4 stars; one submission).

Submission:

Labcorp Genetics (formerly Invitae), Labcorp
Classification: Uncertain significance. Last evaluated: 2024-08-06. Review status: criteria provided, single submitter. Criteria: Invitae Variant Classification Sherloc (09022015). Collection method: clinical testing. Allele origin: germline.
Comment: This sequence change creates a premature translational stop signal (p.Trp864*) in the PLEKHM2 gene. It is expected to result in an absent or disrupted protein product. However, the current clinical and genetic evidence is not sufficient to establish whether loss-of-function variants in PLEKHM2 cause disease. This variant is not present in population databases (gnomAD no frequency). This variant has not been reported in the literature in individuals affected with PLEKHM2-related conditions. In summary, the available evidence is currently insufficient to determine the role of this variant in disease. Therefore, it has been classified as a Variant of Uncertain Significance.